The following is an entry in ClinVar:

ClinVar aggregate classification (germline): Uncertain significance (1 of 4 stars; one submission).

Allele frequency attached by ClinVar (database versions not stated): TOPMed below 0.00001; ExAC 0.00001; gnomAD exomes 0.00001.
gnomAD v4.1: 12 of 1,612,076 alleles (0.00074%); highest among the groups gnomAD compares: South Asian, 0.0022%; no homozygotes.

Submission:

Labcorp Genetics (formerly Invitae), Labcorp
Classification: Uncertain significance. Last evaluated: 2024-10-17. Review status: criteria provided, single submitter. Criteria: Invitae Variant Classification Sherloc (09022015). Collection method: clinical testing. Allele origin: germline.
Comment: This sequence change replaces glutamic acid, which is acidic and polar, with lysine, which is basic and polar, at codon 878 of the KIAA0753 protein (p.Glu878Lys). This variant is present in population databases (rs747430716, gnomAD 0.006%). This variant has not been reported in the literature in individuals affected with KIAA0753-related conditions. ClinVar contains an entry for this variant (Variation ID: 2170037). An algorithm developed to predict the effect of missense changes on protein structure and function (PolyPhen-2) suggests that this variant is likely to be tolerated. In summary, the available evidence is currently insufficient to determine the role of this variant in disease. Therefore, it has been classified as a Variant of Uncertain Significance.

NM_014804.3(KIAA0753):c.2632G>A (p.Glu878Lys)

Gene: KIAA0753 (KIAA0753; minus strand). Cytogenetic location: 17p13.1.
Variant type: single nucleotide variant.
Coding change: c.2632G>A on transcript NM_014804.3 (MANE Select); coding-DNA position 2632, G replaced by A.
Protein change: p.Glu878Lys; replaces glutamic acid 878 with lysine.
Molecular consequence: missense variant. On other transcripts: non-coding transcript variant (3).
Genome position (GRCh38, 1-based): chr17:6,589,933, C>T on the plus strand (G>A on the coding strand, the complement: KIAA0753 is on the minus strand). VCF-style: chr17-6589933-C-T. GRCh37 (hg19) VCF-style: chr17-6493253-C-T.
Other names: c.1735G>A, p.Glu579Lys (NM_001351225.2); short protein forms E579K, E878K.
Identifiers: ClinVar variation 2170037 (VCV002170037.4), dbSNP rs747430716, ClinGen allele CA8330092.